The following is an entry in ClinVar:

NM_000719.7(CACNA1C):c.2977G>C (p.Val993Leu)

Gene: CACNA1C (calcium voltage-gated channel subunit alpha1 C; plus strand). Cytogenetic location: 12p13.33.
Variant type: single nucleotide variant.
Coding change: c.2977G>C on transcript NM_000719.7 (MANE Select); coding-DNA position 2977, G replaced by C.
Protein change: p.Val993Leu; replaces valine 993 with leucine.
Molecular consequence: missense variant.
Genome position (GRCh38, 1-based): chr12:2,605,097, G>C. VCF-style: chr12-2605097-G-C. GRCh37 (hg19) VCF-style: chr12-2714263-G-C.
Other names: c.3037G>C, p.Val1013Leu (NM_001129827.2, NM_001129832.2, NM_199460.4); c.2977G>C, p.Val993Leu (NM_001129829.2, NM_001129830.3, NM_001129831.2 and 15 more transcripts); c.2968G>C, p.Val990Leu (NM_001129844.2); short protein forms V1013L, V993L, V990L.
Identifiers: ClinVar variation 450908 (VCV000450908.3), dbSNP rs1555878893, ClinGen allele CA383373588.

ClinVar aggregate classification (germline): Likely pathogenic (1 of 4 stars; one submission).

Submission:

GeneDx
Classification: Likely pathogenic. Last evaluated: 2023-08-03. Review status: criteria provided, single submitter. Criteria: GeneDx Variant Classification Process June 2021. Collection method: clinical testing. Allele origin: germline. Affected: yes.
Comment: Not observed at significant frequency in large population cohorts (gnomAD); In silico analysis supports that this missense variant has a deleterious effect on protein structure/function; Has not been previously published as pathogenic or benign to our knowledge